The following is an entry in ClinVar:

NM_000051.4(ATM):c.7811G>C (p.Arg2604Thr)

Genes: ATM (ATM serine/threonine kinase; plus strand), C11orf65 (chromosome 11 open reading frame 65; minus strand). Cytogenetic location: 11q22.3.
Variant type: single nucleotide variant.
Coding change: c.7811G>C on transcript NM_000051.4 (MANE Select); coding-DNA position 7811, G replaced by C.
Protein change: p.Arg2604Thr; replaces arginine 2604 with threonine.
Molecular consequence: missense variant. On other transcripts: intron variant (2).
Genome position (GRCh38, 1-based): chr11:108,332,784, G>C. VCF-style: chr11-108332784-G-C. GRCh37 (hg19) VCF-style: chr11-108203511-G-C.
Other names: c.7811G>C, p.Arg2604Thr (NM_001351834.2); c.641-23713C>G (NM_001330368.2); c.*38+2436C>G (NM_001351110.2); short protein forms R2604T.
Identifiers: ClinVar variation 1760744 (VCV001760744.3), dbSNP rs2136562304, ClinGen allele CA382561283.

ClinVar aggregate classification (germline): Uncertain significance (1 of 4 stars; one submission).

Conditions:
Hereditary cancer-predisposing syndrome. Also called: Hereditary neoplastic syndrome; Neoplastic Syndromes, Hereditary; Tumor predisposition; Hereditary Cancer Syndrome. Identifiers: Orphanet 140162, MedGen C0027672, MeSH D009386, MONDO:0015356.

Submission:

Ambry Genetics
Classification: Uncertain significance for Hereditary cancer-predisposing syndrome. Last evaluated: 2024-07-08. Review status: criteria provided, single submitter. Criteria: Ambry Variant Classification Scheme 2023. Collection method: clinical testing. Allele origin: germline.
Comment: The p.R2604T variant (also known as c.7811G>C), located in coding exon 52 of the ATM gene, results from a G to C substitution at nucleotide position 7811. The arginine at codon 2604 is replaced by threonine, an amino acid with similar properties. This amino acid position is poorly conserved in available vertebrate species. In addition, this alteration is predicted to be tolerated by in silico analysis. Based on the available evidence, the clinical significance of this variant remains unclear.